The following is an entry in ClinVar:

NM_004963.4(GUCY2C):c.2069AGA[1] (p.Lys691del)

Gene: GUCY2C (guanylate cyclase 2C; minus strand). Cytogenetic location: 12p12.3.
Variant type: Microsatellite.
Coding change: c.2069AGA[1] on transcript NM_004963.4 (MANE Select); one copy of the 3-base unit AGA starting at c.2069; the reference has two copies in a row; one copy, 3 bases deleted.
Protein change: p.Lys691del; deletes lysine 691.
Molecular consequence: inframe deletion.
Genome position (GRCh38, 1-based): chr12:14,639,945-14,639,947, TCT deleted on the plus strand (AGA on the coding strand, the reverse complement: GUCY2C is on the minus strand); deleting any 3 consecutive bases within chr12:14,639,945-14,639,950 gives the same sequence; the position shown is the placement nearest the transcript's 3' end. VCF-style (leftmost placement, unchanged base first): chr12-14639944-ATCT-A. GRCh37 (hg19) VCF-style: chr12-14792878-ATCT-A.
Other names: short protein forms K691del.
Identifiers: ClinVar variation 1465014 (VCV001465014.8), dbSNP rs777416984, ClinGen allele CA6463183.

ClinVar aggregate classification (germline): Uncertain significance (1 of 4 stars; one submission).

Submission:

Labcorp Genetics (formerly Invitae), Labcorp
Classification: Uncertain significance. Last evaluated: 2024-01-11. Review status: criteria provided, single submitter. Criteria: Invitae Variant Classification Sherloc (09022015). Collection method: clinical testing. Allele origin: germline.
Comment: This variant, c.2072_2074del, results in the deletion of 1 amino acid(s) of the GUCY2C protein (p.Lys691del), but otherwise preserves the integrity of the reading frame. This variant is present in population databases (rs777416984, gnomAD 0.007%). This variant has not been reported in the literature in individuals affected with GUCY2C-related conditions. Experimental studies and prediction algorithms are not available or were not evaluated, and the functional significance of this variant is currently unknown. In summary, the available evidence is currently insufficient to determine the role of this variant in disease. Therefore, it has been classified as a Variant of Uncertain Significance.